The following is an entry in ClinVar:

NM_006206.6(PDGFRA):c.2775C>T (p.Val925=)

Gene: PDGFRA (platelet derived growth factor receptor alpha; plus strand). Cytogenetic location: 4q12.
Variant type: single nucleotide variant.
Coding change: c.2775C>T on transcript NM_006206.6 (MANE Select); coding-DNA position 2775, C replaced by T.
Protein change: p.Val925=; no amino-acid change (valine 925 retained).
Molecular consequence: synonymous variant.
Genome position (GRCh38, 1-based): chr4:54,289,009, C>T. VCF-style: chr4-54289009-C-T. GRCh37 (hg19) VCF-style: chr4-55155176-C-T.
Other names: c.2850C>T, p.Val950= (NM_001347828.2); c.2775C>T, p.Val925= (NM_001347829.2); c.2814C>T, p.Val938= (NM_001347830.2).
Identifiers: ClinVar variation 648924 (VCV000648924.15), dbSNP rs1577746412, ClinGen allele CA439288155.

ClinVar aggregate classification (germline): Conflicting classifications of pathogenicity. Review status: criteria provided, conflicting classifications (1 of 4 stars). 3 submissions from 3 submitters: Uncertain significance (1); Likely benign (2). Last evaluated 2025-12-23.

Conditions:
Gastrointestinal stromal tumor. Also called: Gastrointestinal stromal tumor, somatic; Gastrointestinal stroma tumor. Identifiers: Orphanet 44890, MedGen C0238198, MeSH D046152, MONDO:0011719, OMIM 606764, HP:0100723.
Hereditary cancer-predisposing syndrome. Also called: Neoplastic Syndromes, Hereditary; Tumor predisposition; Hereditary Cancer Syndrome; Hereditary neoplastic syndrome. Identifiers: Orphanet 140162, MedGen C0027672, MeSH D009386, MONDO:0015356.

gnomAD v4.1: 1 of 1,601,260 alleles (0.000062%); highest among the groups gnomAD compares: Non-Finnish European, 0.000086%; no homozygotes.

Submissions (3):

Dasa
Classification: Likely benign. Last evaluated: 2025-12-23. Review status: criteria provided, single submitter. Criteria: DASA Assertion Criteria. Collection method: clinical testing. Allele origin: germline.
Comment: NM_006206.6(PDGFRA):c.2775C>T (p.Val925=) is a synonymous variant predicted not to alter the encoded amino acid sequence. The variant context is inconsistent with a known disease-causing mechanism. Computational prediction algorithms are consistent with a benign effect. Therefore, based on the currently available evidence, this variant is classified as likely benign.

Labcorp Genetics (formerly Invitae), Labcorp
Classification: Uncertain significance for Gastrointestinal stromal tumor. Last evaluated: 2025-04-27. Review status: criteria provided, single submitter. Criteria: Invitae Variant Classification Sherloc (09022015). Collection method: clinical testing. Allele origin: germline.
Comment: This sequence change affects codon 925 of the PDGFRA mRNA. It is a 'silent' change, meaning that it does not change the encoded amino acid sequence of the PDGFRA protein. It affects a nucleotide within the consensus splice site. This variant is not present in population databases (gnomAD no frequency). This variant has not been reported in the literature in individuals affected with PDGFRA-related conditions. ClinVar contains an entry for this variant (Variation ID: 648924). Algorithms developed to predict the effect of sequence changes on RNA splicing suggest that this variant is not likely to affect RNA splicing. In summary, the available evidence is currently insufficient to determine the role of this variant in disease. Therefore, it has been classified as a Variant of Uncertain Significance.

Ambry Genetics
Classification: Likely benign for Hereditary cancer-predisposing syndrome. Last evaluated: 2022-04-04. Review status: criteria provided, single submitter. Criteria: Ambry Variant Classification Scheme 2023. Collection method: clinical testing. Allele origin: germline.